The following is an entry in ClinVar:

ClinVar aggregate classification (germline): Likely pathogenic (1 of 4 stars; one submission).

Conditions:
Hermansky-Pudlak syndrome (HPS). Also called: ALBINISM WITH HEMORRHAGIC DIATHESIS AND PIGMENTED RETICULOENDOTHELIAL CELLS. Identifiers: Orphanet 79430, MedGen C0079504, MONDO:0019312.

Submission:

Women's Health and Genetics/Laboratory Corporation of America, LabCorp
Classification: Likely pathogenic for Hermansky-Pudlak syndrome. Last evaluated: 2022-08-03. Review status: criteria provided, single submitter. Criteria: LabCorp Variant Classification Summary - May 2015. Collection method: clinical testing. Allele origin: germline.
Comment: Variant summary: AP3B1 c.1651-2A>T is located in a canonical splice-site and is predicted to affect mRNA splicing resulting in a significantly altered protein due to either exon skipping, shortening, or inclusion of intronic material. Several computational tools predict a significant impact on normal splicing: Four predict the variant abolishes a 3 acceptor site. However, these predictions have yet to be confirmed by functional studies. The variant was absent in 250990 control chromosomes (gnomAD). To our knowledge, no occurrence of c.1651-2A>T in individuals affected with Hermansky-Pudlak Syndrome and no experimental evidence demonstrating its impact on protein function have been reported. No clinical diagnostic laboratories have submitted clinical-significance assessments for this variant to ClinVar after 2014. Based on the evidence outlined above, the variant was classified as likely pathogenic.

NM_003664.5(AP3B1):c.1651-2A>T

Gene: AP3B1 (adaptor related protein complex 3 subunit beta 1; minus strand). Cytogenetic location: 5q14.1.
Variant type: single nucleotide variant.
Coding change: c.1651-2A>T on transcript NM_003664.5 (MANE Select); the canonical splice acceptor site of the intron before coding-DNA position 1651, A replaced by T.
Molecular consequence: splice acceptor variant.
Genome position (GRCh38, 1-based): chr5:78,129,309, T>A on the plus strand (A>T on the coding strand, the complement: AP3B1 is on the minus strand). VCF-style: chr5-78129309-T-A. GRCh37 (hg19) VCF-style: chr5-77425133-T-A.
Other names: c.1504-2A>T (NM_001271769.2); c.1651-2A>T (NM_001410752.1).
Identifiers: ClinVar variation 1705225 (VCV001705225.1), dbSNP rs2531000996, ClinGen allele CA360188268.